The following is an entry in ClinVar:

ClinVar aggregate classification (germline): Pathogenic (1 of 4 stars; one submission).

Conditions:
Methylcobalamin deficiency type cblE (HMAE). Also called: VITAMIN B12-RESPONSIVE HOMOCYSTINURIA, cblE TYPE; HOMOCYSTINURIA-MEGALOBLASTIC ANEMIA, cblE TYPE; HOMOCYSTINURIA-MEGALOBLASTIC ANEMIA, cblE COMPLEMENTATION TYPE. Identifiers: Orphanet 2169, Orphanet 622, MedGen C1856057, MONDO:0009354, OMIM 236270.

Submission:

Labcorp Genetics (formerly Invitae), Labcorp
Classification: Pathogenic for Methylcobalamin deficiency type cblE. Last evaluated: 2024-04-04. Review status: criteria provided, single submitter. Criteria: Invitae Variant Classification Sherloc (09022015). Collection method: clinical testing. Allele origin: germline.
Comment: This sequence change creates a premature translational stop signal (p.Ala211Glnfs*2) in the MTRR gene. It is expected to result in an absent or disrupted protein product. Loss-of-function variants in MTRR are known to be pathogenic (PMID: 15714522). This variant is present in population databases (rs759859329, gnomAD 0.007%). This variant has not been reported in the literature in individuals affected with MTRR-related conditions. For these reasons, this variant has been classified as Pathogenic.

Literature cited by the submitters: PubMed 15714522.

NM_002454.3(MTRR):c.631del (p.Ala211fs)

Gene: MTRR (5-methyltetrahydrofolate-homocysteine methyltransferase reductase; plus strand). Cytogenetic location: 5p15.31.
Variant type: Deletion.
Coding change: c.631del on transcript NM_002454.3 (MANE Select); coding-DNA position 631, one base deleted (G; older notation c.631delG).
Protein change: p.Ala211fs; shifts the reading frame from alanine 211.
Molecular consequence: frameshift variant. On other transcripts: non-coding transcript variant (14).
Genome position (GRCh38, 1-based): chr5:7,878,173, G deleted. VCF-style (leftmost placement, unchanged base first): chr5-7878172-TG-T. GRCh37 (hg19) VCF-style: chr5-7878285-TG-T.
Other names: c.631del, p.Ala211fs (NM_001364440.2, NM_001364441.2, NM_001364442.2 and 1 more transcripts); short protein forms A211fs.
Identifiers: ClinVar variation 3637046 (VCV003637046.2).